The following is an entry in ClinVar:

NM_004304.5(ALK):c.4127T>C (p.Phe1376Ser)

Gene: ALK (ALK receptor tyrosine kinase; minus strand). Cytogenetic location: 2p23.2.
Variant type: single nucleotide variant.
Coding change: c.4127T>C on transcript NM_004304.5 (MANE Select); coding-DNA position 4127, T replaced by C.
Protein change: p.Phe1376Ser; replaces phenylalanine 1376 with serine.
Molecular consequence: missense variant.
Genome position (GRCh38, 1-based): chr2:29,196,807, A>G on the plus strand (T>C on the coding strand, the complement: ALK is on the minus strand). VCF-style: chr2-29196807-A-G. GRCh37 (hg19) VCF-style: chr2-29419673-A-G.
Other names: c.923T>C, p.Phe308Ser (NM_001353765.2); short protein forms F1376S, F308S.
Identifiers: ClinVar variation 4674570 (VCV004674570.1).

ClinVar aggregate classification (germline): Uncertain significance (1 of 4 stars; one submission).

Conditions:
Hereditary cancer-predisposing syndrome. Also called: Neoplastic Syndromes, Hereditary; Tumor predisposition; Hereditary Cancer Syndrome; Hereditary neoplastic syndrome. Identifiers: Orphanet 140162, MedGen C0027672, MeSH D009386, MONDO:0015356.

Submission:

Ambry Genetics
Classification: Uncertain significance for Hereditary cancer-predisposing syndrome. Last evaluated: 2025-10-10. Review status: criteria provided, single submitter. Criteria: Ambry Variant Classification Scheme 2023. Collection method: clinical testing. Allele origin: germline.
Comment: The p.F1376S variant (also known as c.4127T>C), located in coding exon 28 of the ALK gene, results from a T to C substitution at nucleotide position 4127. The phenylalanine at codon 1376 is replaced by serine, an amino acid with highly dissimilar properties. This amino acid position is conserved. In addition, this alteration is predicted to be deleterious by in silico analysis. Based on the available evidence, the clinical significance of this variant remains unclear.